The following is an entry in ClinVar:

ClinVar aggregate classification (germline): Uncertain significance. Review status: criteria provided, multiple submitters, no conflicts (2 of 4 stars). 2 submissions from 2 submitters: Uncertain significance (2). Last evaluated 2025-03-23.

Submissions (2):

GeneDx
Classification: Uncertain significance. Last evaluated: 2025-03-23. Review status: criteria provided, single submitter. Criteria: GeneDx Variant Classification Process June 2021. Collection method: clinical testing. Allele origin: germline. Affected: yes.
Comment: Not observed at significant frequency in large population cohorts (gnomAD); In silico analysis supports that this missense variant has a deleterious effect on protein structure/function; Has not been previously published as pathogenic or benign to our knowledge

Women's Health and Genetics/Laboratory Corporation of America, LabCorp
Classification: Uncertain significance. Last evaluated: 2024-03-19. Review status: criteria provided, single submitter. Criteria: LabCorp Variant Classification Summary - May 2015. Collection method: clinical testing. Allele origin: germline.
Comment: Variant summary: ARX c.1252C>T (p.Pro418Ser) results in a non-conservative amino acid change in the encoded protein sequence. Five of five in-silico tools predict a damaging effect of the variant on protein function. The frequency data for this variant in gnomAD is considered unreliable, as metrics indicate poor data quality at this position. To our knowledge, no occurrence of c.1252C>T in individuals affected with AXR-Related Disorder and no experimental evidence demonstrating its impact on protein function have been reported. No submitters have cited clinical-significance assessments for this variant to ClinVar. Based on the evidence outlined above, the variant was classified as uncertain significance.

NM_139058.3(ARX):c.1252C>T (p.Pro418Ser)

Gene: ARX (aristaless related homeobox; minus strand). Cytogenetic location: Xp21.3.
Variant type: single nucleotide variant.
Coding change: c.1252C>T on transcript NM_139058.3 (MANE Select); coding-DNA position 1252, C replaced by T.
Protein change: p.Pro418Ser; replaces proline 418 with serine.
Molecular consequence: missense variant.
Genome position (GRCh38, 1-based): chrX:25,007,307, G>A on the plus strand (C>T on the coding strand, the complement: ARX is on the minus strand). VCF-style: chrX-25007307-G-A. GRCh37 (hg19) VCF-style: chrX-25025424-G-A.
Other names: c.1252C>T (NM_139058.2); short protein forms P418S.
Identifiers: ClinVar variation 3233889 (VCV003233889.3), dbSNP rs2519101806, ClinGen allele CA412611404.
Genomic context (GRCh38, chrX:25,007,307, plus strand): 5'-CGGCGGCGGCGGCAGCGGCAGTCCAAGCGGAGTCGAGCGCCGGGTGGTGCGGAGGGAAGG[G>A]GCTGGCGTCCAGGTAGGGGCTGAGCGGGTGGGTGGCGGAGAGCGGCCCCGGGAAGGGCAG-3'
Protein context (NP_620689.1, residues 408-428): HPLSPYLDAS[Pro418Ser]FPPHHPALDS